The following is an entry in ClinVar:

NM_001191061.2(SLC25A22):c.922C>T (p.Leu308=)

Gene: SLC25A22 (solute carrier family 25 member 22; minus strand). Cytogenetic location: 11p15.5.
Variant type: single nucleotide variant.
Coding change: c.922C>T on transcript NM_001191061.2 (MANE Select); coding-DNA position 922, C replaced by T.
Protein change: p.Leu308=; no amino-acid change (leucine 308 retained).
Molecular consequence: synonymous variant.
Genome position (GRCh38, 1-based): chr11:791,965, G>A on the plus strand (C>T on the coding strand, the complement: SLC25A22 is on the minus strand). VCF-style: chr11-791965-G-A. GRCh37 (hg19) VCF-style: chr11-791965-G-A.
Other names: c.922C>T, p.Leu308= (NM_001191060.2, NM_024698.6).
Identifiers: ClinVar variation 1138592 (VCV001138592.17), dbSNP rs758596118, ClinGen allele CA5789003.

ClinVar aggregate classification (germline): Likely benign. Review status: criteria provided, multiple submitters, no conflicts (2 of 4 stars). 2 submissions from 2 submitters: Likely benign (2). Last evaluated 2025-03-01.

Conditions:
Early-infantile DEE. Also called: Ohtahara syndrome; Early infantile epileptic encephalopathy; Early infantile epileptic encephalopathy with suppression bursts. Identifiers: Orphanet 1934, MedGen C0393706, MONDO:0800491.

Allele frequency attached by ClinVar (database versions not stated): gnomAD exomes 0.00002 and 0.00003; TOPMed 0.00002; ExAC 0.00004.
gnomAD v4.1: 32 of 1,607,968 alleles (0.002%); highest among the groups gnomAD compares: East Asian, 0.062%; no homozygotes.

Submissions (2):

CeGaT Center for Human Genetics Tuebingen
Classification: Likely benign. Last evaluated: 2025-03-01. Review status: criteria provided, single submitter. Criteria: CeGaT Center For Human Genetics Tuebingen Variant Classification Criteria Version 2. Collection method: clinical testing. Allele origin: germline. Affected: yes. Observed: 1 variant allele.
Comment: SLC25A22: BP4, BP7

Labcorp Genetics (formerly Invitae), Labcorp
Classification: Likely benign for Early-infantile DEE. Last evaluated: 2024-02-03. Review status: criteria provided, single submitter. Criteria: Invitae Variant Classification Sherloc (09022015). Collection method: clinical testing. Allele origin: germline.